The following is an entry in ClinVar:

ClinVar aggregate classification (germline): Uncertain significance (1 of 4 stars; one submission).

Conditions:
Microphthalmia, isolated, with coloboma 6 (MCOPCB6). Also called: MICROPHTHALMIA/COLOBOMA 6; Microphthalmia with coloboma 6, digenic; Microphthalmia with coloboma 6. Identifiers: Orphanet 98938, MedGen C3150968, MONDO:0013376, OMIM 613703.
Klippel-Feil syndrome 1, autosomal dominant (KFS1). Also called: CERVICAL VERTEBRAL FUSION, AUTOSOMAL DOMINANT. Identifiers: Orphanet 2345, MedGen C1861689, MONDO:0007306, OMIM 118100.
Leber congenital amaurosis 17 (LCA17). Identifiers: Orphanet 65, MedGen C3715164, MONDO:0014145, OMIM 615360.
Isolated microphthalmia 4. Identifiers: Orphanet 2542, MedGen C2751307, MONDO:0013130, OMIM 613094.

Submission:

Labcorp Genetics (formerly Invitae), Labcorp
Classification: Uncertain significance for Isolated microphthalmia 4; Leber congenital amaurosis 17; Klippel-Feil syndrome 1, autosomal dominant; Microphthalmia, isolated, with coloboma 6. Last evaluated: 2025-01-06. Review status: criteria provided, single submitter. Criteria: Invitae Variant Classification Sherloc (09022015). Collection method: clinical testing. Allele origin: germline.
Comment: This sequence change replaces serine, which is neutral and polar, with asparagine, which is neutral and polar, at codon 153 of the GDF6 protein (p.Ser153Asn). Information on the frequency of this variant in the gnomAD database is not available, as this variant may be reported differently in the database. This variant has not been reported in the literature in individuals affected with GDF6-related conditions. ClinVar contains an entry for this variant (Variation ID: 1355129). An algorithm developed to predict the effect of missense changes on protein structure and function (PolyPhen-2) suggests that this variant is likely to be disruptive. In summary, the available evidence is currently insufficient to determine the role of this variant in disease. Therefore, it has been classified as a Variant of Uncertain Significance.

NM_001001557.4(GDF6):c.457_458delinsAA (p.Ser153Asn)

Gene: GDF6 (growth differentiation factor 6; minus strand). Cytogenetic location: 8q22.1.
Variant type: Indel.
Coding change: c.457_458delinsAA on transcript NM_001001557.4 (MANE Select); coding-DNA positions 457 to 458, TC replaced by AA.
Protein change: p.Ser153Asn; replaces serine 153 with asparagine.
Molecular consequence: missense variant.
Genome position (GRCh38, 1-based): chr8:96,145,473-96,145,474, GA replaced by TT on the plus strand (TC replaced by AA on the coding strand, the reverse complement: GDF6 is on the minus strand). VCF-style: chr8-96145473-GA-TT. GRCh37 (hg19) VCF-style: chr8-97157701-GA-TT.
Other names: short protein forms S153N.
Identifiers: ClinVar variation 1355129 (VCV001355129.6), dbSNP rs2130208395, ClinGen allele CA2573143519.